The following is an entry in ClinVar:

ClinVar aggregate classification (germline): Uncertain significance (1 of 4 stars; one submission).

Conditions:
Glanzmann thrombasthenia. Also called: BLEEDING DISORDER, PLATELET-TYPE, 2; THROMBASTHENIA OF GLANZMANN AND NAEGELI; Glanzmann's thrombasthenia; PLATELET GLYCOPROTEIN IIb-IIIa DEFICIENCY; Thrombasthenia. Identifiers: Orphanet 849, MedGen C0040015, MONDO:0100326.

Submission:

Labcorp Genetics (formerly Invitae), Labcorp
Classification: Uncertain significance for Glanzmann thrombasthenia. Last evaluated: 2023-11-14. Review status: criteria provided, single submitter. Criteria: Invitae Variant Classification Sherloc (09022015). Collection method: clinical testing. Allele origin: germline.
Comment: This sequence change replaces leucine, which is neutral and non-polar, with proline, which is neutral and non-polar, at codon 598 of the ITGA2B protein (p.Leu598Pro). This variant is not present in population databases (gnomAD no frequency). This variant has not been reported in the literature in individuals affected with ITGA2B-related conditions. Advanced modeling of protein sequence and biophysical properties (such as structural, functional, and spatial information, amino acid conservation, physicochemical variation, residue mobility, and thermodynamic stability) performed at Invitae indicates that this missense variant is expected to disrupt ITGA2B protein function with a positive predictive value of 80%. In summary, the available evidence is currently insufficient to determine the role of this variant in disease. Therefore, it has been classified as a Variant of Uncertain Significance.

NM_000419.5(ITGA2B):c.1793T>C (p.Leu598Pro)

Gene: ITGA2B (integrin subunit alpha 2b; minus strand). Cytogenetic location: 17q21.31.
Variant type: single nucleotide variant.
Coding change: c.1793T>C on transcript NM_000419.5 (MANE Select); coding-DNA position 1793, T replaced by C.
Protein change: p.Leu598Pro; replaces leucine 598 with proline.
Molecular consequence: missense variant.
Genome position (GRCh38, 1-based): chr17:44,379,774, A>G on the plus strand (T>C on the coding strand, the complement: ITGA2B is on the minus strand). VCF-style: chr17-44379774-A-G. GRCh37 (hg19) VCF-style: chr17-42457142-A-G.
Other names: short protein forms L598P.
Identifiers: ClinVar variation 2980806 (VCV002980806.3), dbSNP rs2510078751, ClinGen allele CA399801882.
Genomic context (GRCh38, chr17:44,379,774, plus strand): 5'-TGCAGCACGACAGCAGGGGCCATTCCAGCCTCCGTGGGCGGTAGGGACACATTGAGGCTG[A>G]GCACAATGGGGCTCAGCTTGTCCCGGAAGTCTGCCTCATCCTAGGACAGGGGCAAGAGTC-3'
Protein context (NP_000410.2, residues 588-608): DFRDKLSPIV[Leu598Pro]SLNVSLPPTE